The following is an entry in ClinVar:

NM_000152.5(GAA):c.596_600delinsGTGT (p.His199fs)

Gene: GAA (alpha glucosidase; plus strand). Cytogenetic location: 17q25.3.
Variant type: Indel.
Coding change: c.596_600delinsGTGT on transcript NM_000152.5 (MANE Select); coding-DNA positions 596 to 600, ATGTC replaced by GTGT.
Protein change: p.His199fs; shifts the reading frame from histidine 199.
Molecular consequence: frameshift variant.
Genome position (GRCh38, 1-based): chr17:80,105,798-80,105,802, ATGTC replaced by GTGT. VCF-style: chr17-80105798-ATGTC-GTGT. GRCh37 (hg19) VCF-style: chr17-78079597-ATGTC-GTGT.
Other names: c.596_600delinsGTGT, p.His199fs (NM_001079803.3, NM_001079804.3); c.596_600delATGTCinsGTGT, p.His199Argfs (NM_001406741.1, NM_001406742.1); short protein forms H199fs.
Identifiers: ClinVar variation 1724419 (VCV001724419.2), dbSNP rs2510350438, ClinGen allele CA2580095301.

ClinVar aggregate classification (germline): Likely pathogenic (1 of 4 stars; one submission).

Conditions:
Glycogen storage disease, type II (IOPD). Also called: Glucosidase acid-1,4-alpha deficiency; Pompe Disease; GLYCOGENOSIS, GENERALIZED, CARDIAC FORM; GSD II; CARDIOMEGALIA GLYCOGENICA DIFFUSA; Glycogen storage disease type 2. Identifiers: Orphanet 365, MedGen C0017921, MONDO:0009290, OMIM 232300.

Submission:

Myriad Genetics, Inc.
Classification: Likely pathogenic for Glycogen storage disease, type II. Last evaluated: 2022-02-14. Review status: criteria provided, single submitter. Criteria: Myriad Women's Health Autosomal Recessive and X-Linked Classification Criteria (2021). Collection method: clinical testing. Allele origin: unknown.
Comment: NM_000152.3(GAA):c.596_600del5ins4(H199Rfs*22) is expected to be pathogenic in the context of Pompe disease. This variant is predicted to lead to an abnormal or absent protein product due to the creation of a premature termination codon in GAA, a gene where loss-of-function variants are known to be pathogenic. Please note: this variant was assessed in the context of healthy population screening.